The following is an entry in ClinVar:

ClinVar aggregate classification (germline): Pathogenic/Likely pathogenic. Review status: criteria provided, multiple submitters, no conflicts (2 of 4 stars). 4 submissions from 4 submitters: Pathogenic (2); Likely pathogenic (2). Last evaluated 2024-06-01.

Conditions:
Sphingomyelin/cholesterol lipidosis. Also called: Niemann-Pick disease. Identifiers: MedGen C0028064, MONDO:0001982.
Intellectual disability. Also called: Intellectual developmental disorder; Intellectual functioning disability; intellectual disabilities. Identifiers: MedGen C3714756, MeSH D008607, MONDO:0001071, HP:0001249.
Niemann-Pick disease, type A. Also called: SPHINGOMYELIN LIPIDOSIS; SPHINGOMYELINASE DEFICIENCY; Infantile Neurovisceral ASMD (Niemann-Pick Disease Type A; NPD-A). Identifiers: Orphanet 77292, MedGen C0268242, MONDO:0009756, OMIM 257200. Disease mechanism: loss of function.
Niemann-Pick disease, type B. Also called: Chronic Visceral ASMD (Niemann-Pick Disease Type B; NPD-B). Identifiers: Orphanet 77293, MedGen C0268243, MONDO:0011871, OMIM 607616. Disease mechanism: loss of function.

Submissions (4):

Fulgent Genetics
Classification: Likely pathogenic for Niemann-Pick disease, type A; Niemann-Pick disease, type B. Last evaluated: 2024-06-01. Review status: criteria provided, single submitter. Criteria: ACMG Guidelines, 2015. Collection method: clinical testing. Allele origin: germline.

Women's Health and Genetics/Laboratory Corporation of America, LabCorp
Classification: Pathogenic for Sphingomyelin/cholesterol lipidosis. Last evaluated: 2024-05-31. Review status: criteria provided, single submitter. Criteria: LabCorp Variant Classification Summary - May 2015. Collection method: clinical testing. Allele origin: germline.
Comment: Variant summary: SMPD1 c.759C>A (p.Asp253Glu; also known as D251E in the literature) results in a conservative amino acid change located in the calcineurin-like phosphoesterase domain (ApaH type) of the encoded protein sequence. Three of four in-silico tools predict a damaging effect of the variant on protein function. The variant was absent in 249250 control chromosomes (gnomAD). c.759C>A has been reported in the literature in individuals affected with Niemann-Pick Disease (Pavlu-Pereira_2005, Zhang_2013). These data indicate that the variant is likely to be associated with disease. A different variant affecting the same codon has been classified as pathogenic by our lab (c.757G>C, p.Asp253His), supporting the critical relevance of codon 253 to SMPD1 protein function. Functional studies report that the variant results in <10% of normal activity. The following publications have been ascertained in the context of this evaluation (PMID: 15877209, 23356216). ClinVar contains an entry for this variant (Variation ID: 997803). Based on the evidence outlined above, the variant was classified as pathogenic.

Institute of Human Genetics, University of Leipzig Medical Center
Classification: Pathogenic for Intellectual disability. Last evaluated: 2021-02-25. Review status: criteria provided, single submitter. Criteria: ACMG Guidelines, 2015. Collection method: clinical testing. Allele origin: maternal. Inheritance: Autosomal recessive inheritance. Affected: yes.
Comment: The variant was reviewed according to current ACMG recommendations and classified as Pathogenic (criteria: PS3_Strong, PM1_Moderate, PM3_Moderate, PM2_Supporting, PP3_Supporting). This variant was identified in a compound heterozygous state with the variant: NM_000543.5(SMPD1):c.502G>A (p.Gly168Arg) (Variation ID: 982662).

Juno Genomics, Hangzhou Juno Genomics, Inc
Classification: Likely pathogenic for Niemann-Pick disease, type A; Niemann-Pick disease, type B. Review status: criteria provided, single submitter. Criteria: ACMG Guidelines, 2015. Collection method: clinical testing. Allele origin: germline.
Comment: Absent from controls (or at extremely low frequency if recessive) in Genome Aggregation Database.;Multiple lines of computational evidence support a deleterious effect on the gene or gene product.;Novel missense change at an amino acid residue where a different missense change determined to be pathogenic has been seen before.;For recessive disorders, detected in trans with a pathogenic variant.;Patient's phenotype or family history is highly specific for a disease with a single genetic etiology.

Literature cited by the submitters: PubMed 23356216 (cited by Women's Health and Genetics/Laboratory Corporation of America, LabCorp); PubMed 15877209 (cited by Women's Health and Genetics/Laboratory Corporation of America, LabCorp).

NM_000543.5(SMPD1):c.759C>A (p.Asp253Glu)

Gene: SMPD1 (sphingomyelin phosphodiesterase 1; plus strand). Cytogenetic location: 11p15.4.
Variant type: single nucleotide variant.
Coding change: c.759C>A on transcript NM_000543.5 (MANE Select); coding-DNA position 759, C replaced by A.
Protein change: p.Asp253Glu; replaces aspartic acid 253 with glutamic acid.
Molecular consequence: missense variant. On other transcripts: 5 prime UTR variant (1), non-coding transcript variant (1).
Genome position (GRCh38, 1-based): chr11:6,391,824, C>A. VCF-style: chr11-6391824-C-A. GRCh37 (hg19) VCF-style: chr11-6413054-C-A.
Other names: c.756C>A, p.Asp252Glu (NM_001007593.3); c.759C>A, p.Asp253Glu (NM_001318087.2, NM_001365135.2); c.-203C>A (NM_001318088.2); short protein forms D252E, D253E.
Identifiers: ClinVar variation 997803 (VCV000997803.5), dbSNP rs752000778, ClinGen allele CA379370955.